The following is an entry in ClinVar:

NM_001033855.3(DCLRE1C):c.211A>C (p.Thr71Pro)

Gene: DCLRE1C (DNA cross-link repair 1C; minus strand). Cytogenetic location: 10p13.
Variant type: single nucleotide variant.
Coding change: c.211A>C on transcript NM_001033855.3 (MANE Select); coding-DNA position 211, A replaced by C.
Protein change: p.Thr71Pro; replaces threonine 71 with proline.
Molecular consequence: missense variant. On other transcripts: non-coding transcript variant (4), intron variant (1), 5 prime UTR variant (8).
Genome position (GRCh38, 1-based): chr10:14,945,140, T>G on the plus strand (A>C on the coding strand, the complement: DCLRE1C is on the minus strand). VCF-style: chr10-14945140-T-G. GRCh37 (hg19) VCF-style: chr10-14987139-T-G.
Other names: c.-44+3896A>C (NM_001289076.2); c.-150A>C (NM_001033857.3, NM_001289077.2, NM_001350967.2); c.-472A>C (NM_001033858.3, NM_001289079.2); c.-79A>C (NM_001289078.2, NM_001350966.2, NM_022487.4); c.211A>C, p.Thr71Pro (NM_001350965.2); short protein forms T71P.
Identifiers: ClinVar variation 2136851 (VCV002136851.4), dbSNP rs1437892966, ClinGen allele CA376063330.
Genomic context (GRCh38, chr10:14,945,140, plus strand): 5'-AAGTTATTAAAAAAATAAAACTTACAATTCGTTTCTTCCAAAATCTGTATTTCGGGCTCG[T>G]TAACAACAACTCCTTAGTCACAGGTGAACAGTATAGATAAACCTTCAAGCTGAAAGGAAA-3'
Protein context (NP_001029027.1, residues 61-81): CSPVTKELLL[Thr71Pro]SPKYRFWKKR

ClinVar aggregate classification (germline): Likely pathogenic (1 of 4 stars; one submission).

Conditions:
Severe combined immunodeficiency due to DCLRE1C deficiency (RS-SCID). Also called: SCID, AUTOSOMAL RECESSIVE, T CELL-NEGATIVE, B CELL-NEGATIVE, NK CELL-POSITIVE, WITH SENSITIVITY TO IONIZING RADIATION. Identifiers: Orphanet 275, MedGen C1865371, MONDO:0011225, OMIM 602450.

Allele frequency attached by ClinVar (database versions not stated): TOPMed below 0.00001; gnomAD 0.00001; gnomAD exomes 0.00001.
gnomAD v4.1: 10 of 1,612,860 alleles (0.00062%); highest among the groups gnomAD compares: Non-Finnish European, 0.00085%; no homozygotes.

Submission:

Labcorp Genetics (formerly Invitae), Labcorp
Classification: Likely pathogenic for Athabaskan severe combined immunodeficiency. Last evaluated: 2022-08-10. Review status: criteria provided, single submitter. Criteria: Invitae Variant Classification Sherloc (09022015). Collection method: clinical testing. Allele origin: germline.
Comment: In summary, the currently available evidence indicates that the variant is pathogenic, but additional data are needed to prove that conclusively. Therefore, this variant has been classified as Likely Pathogenic. Experimental studies have shown that this missense change affects DCLRE1C function (PMID: 25917813). Algorithms developed to predict the effect of missense changes on protein structure and function (SIFT, PolyPhen-2, Align-GVGD) all suggest that this variant is likely to be tolerated. This missense change has been observed in individual(s) with combined immunodeficiency (PMID: 24230999). In at least one individual the data is consistent with being in trans (on the opposite chromosome) from a pathogenic variant. It has also been observed to segregate with disease in related individuals. This variant is not present in population databases (gnomAD no frequency). This sequence change replaces threonine, which is neutral and polar, with proline, which is neutral and non-polar, at codon 71 of the DCLRE1C protein (p.Thr71Pro).

Literature cited by the submitters: PubMed 25917813; PubMed 24230999.